The following is an entry in ClinVar:

NM_198880.3(QRICH1):c.608A>G (p.Gln203Arg)

Gene: QRICH1 (glutamine rich 1; minus strand). Cytogenetic location: 3p21.31.
Variant type: single nucleotide variant.
Coding change: c.608A>G on transcript NM_198880.3 (MANE Select); coding-DNA position 608, A replaced by G.
Protein change: p.Gln203Arg; replaces glutamine 203 with arginine.
Molecular consequence: missense variant.
Genome position (GRCh38, 1-based): chr3:49,057,592, T>C on the plus strand (A>G on the coding strand, the complement: QRICH1 is on the minus strand). VCF-style: chr3-49057592-T-C. GRCh37 (hg19) VCF-style: chr3-49095025-T-C.
Other names: c.608A>G, p.Gln203Arg (NM_001320580.2, NM_001320581.2, NM_001320582.2 and 4 more transcripts); short protein forms Q203R.
Identifiers: ClinVar variation 2662279 (VCV002662279.1), dbSNP rs2471709690, ClinGen allele CA352673625.

ClinVar aggregate classification (germline): Uncertain significance (1 of 4 stars; one submission).

Allele frequency attached by ClinVar (database versions not stated): gnomAD exomes below 0.00001.
gnomAD v4.1: 1 of 1,613,856 alleles (0.000062%); highest among the groups gnomAD compares: Non-Finnish European, 0.000085%; no homozygotes.

Submission:

GeneDx
Classification: Uncertain significance. Last evaluated: 2023-05-11. Review status: criteria provided, single submitter. Criteria: GeneDx Variant Classification Process June 2021. Collection method: clinical testing. Allele origin: germline. Affected: yes.
Comment: Not observed at significant frequency in large population cohorts (gnomAD); In silico analysis supports that this missense variant does not alter protein structure/function; Has not been previously published as pathogenic or benign to our knowledge